The following is an entry in ClinVar:

ClinVar aggregate classification (germline): Uncertain significance (1 of 4 stars; one submission).

Submission:

GeneDx
Classification: Uncertain significance. Last evaluated: 2024-12-31. Review status: criteria provided, single submitter. Criteria: GeneDx Variant Classification Process June 2021. Collection method: clinical testing. Allele origin: germline. Affected: yes.
Comment: Not observed at significant frequency in large population cohorts (gnomAD); In silico analysis indicates that this missense variant does not alter protein structure/function; Has not been previously published as pathogenic or benign to our knowledge

NM_015139.3(SLC35D1):c.115G>C (p.Val39Leu)

Gene: SLC35D1 (solute carrier family 35 member D1; minus strand). Cytogenetic location: 1p31.3.
Variant type: single nucleotide variant.
Coding change: c.115G>C on transcript NM_015139.3 (MANE Select); coding-DNA position 115, G replaced by C.
Protein change: p.Val39Leu; replaces valine 39 with leucine.
Molecular consequence: missense variant.
Genome position (GRCh38, 1-based): chr1:67,053,899, C>G on the plus strand (G>C on the coding strand, the complement: SLC35D1 is on the minus strand). VCF-style: chr1-67053899-C-G. GRCh37 (hg19) VCF-style: chr1-67519582-C-G.
Other names: short protein forms V39L.
Identifiers: ClinVar variation 3907797 (VCV003907797.1).